The following is an entry in ClinVar:

NM_001035.3(RYR2):c.10109A>G (p.Tyr3370Cys)

Gene: RYR2 (ryanodine receptor 2; plus strand). Cytogenetic location: 1q43.
Variant type: single nucleotide variant.
Coding change: c.10109A>G on transcript NM_001035.3 (MANE Select); coding-DNA position 10109, A replaced by G.
Protein change: p.Tyr3370Cys; replaces tyrosine 3370 with cysteine.
Molecular consequence: missense variant.
Genome position (GRCh38, 1-based): chr1:237,709,065, A>G. VCF-style: chr1-237709065-A-G. GRCh37 (hg19) VCF-style: chr1-237872365-A-G.
Other names: short protein forms Y3370C.
Identifiers: ClinVar variation 806404 (VCV000806404.43), dbSNP rs1573615550, ClinGen allele CA345411180.

ClinVar aggregate classification (germline): Uncertain significance. Review status: criteria provided, multiple submitters, no conflicts (2 of 4 stars). 2 submissions from 2 submitters: Uncertain significance (2). Last evaluated 2024-09-23.

Conditions:
Catecholaminergic polymorphic ventricular tachycardia (CVPT). Also called: Catecholamine-induced polymorphic ventricular tachycardia. Identifiers: Orphanet 3286, MedGen C5574922, MONDO:0017990.

Submissions (2):

All of Us Research Program, National Institutes of Health
Classification: Uncertain significance for Catecholaminergic polymorphic ventricular tachycardia. Last evaluated: 2024-09-23. Review status: criteria provided, single submitter. Criteria: ACMG Guidelines, 2015. Collection method: clinical testing. Allele origin: germline. Inheritance: Autosomal dominant inheritance. Observed: 2 variant alleles, 2 heterozygotes.
Comment: This missense variant replaces tyrosine with cysteine at codon 3370 of the RYR2 protein. Computational prediction suggests that this variant may have deleterious impact on protein structure and function (internally defined REVEL score threshold >= 0.7, PMID: 27666373). To our knowledge, functional studies have not been reported for this variant. This variant has not been reported in individuals affected with RYR2-related disorders in the literature. This variant has not been identified in the general population by the Genome Aggregation Database (gnomAD). The available evidence is insufficient to determine the role of this variant in disease conclusively. Therefore, this variant is classified as a Variant of Uncertain Significance.

This study involves interpretation of variants in research participants for the purpose of population health screening. Participant phenotype was not available at the time of variant classification. Additional details can be found in publication PMID: 35346344, PMCID: PMC8962531

CeGaT Center for Human Genetics Tuebingen
Classification: Uncertain significance. Last evaluated: 2020-08-01. Review status: criteria provided, single submitter. Criteria: CeGaT Center For Human Genetics Tuebingen Variant Classification Criteria Version 2. Collection method: clinical testing. Allele origin: germline. Affected: yes. Observed: 2 variant alleles.